The following is an entry in ClinVar:

ClinVar aggregate classification (germline): Benign/Likely benign. Review status: criteria provided, multiple submitters, no conflicts (2 of 4 stars). 3 submissions from 3 submitters: Benign (1); Likely benign (2). Last evaluated 2026-07-02.

Conditions:
Hereditary cancer-predisposing syndrome. Also called: Hereditary Cancer Syndrome; Tumor predisposition; Neoplastic Syndromes, Hereditary; Hereditary neoplastic syndrome. Identifiers: Orphanet 140162, MedGen C0027672, MeSH D009386, MONDO:0015356.
Hereditary diffuse gastric adenocarcinoma (HDGC). Also called: DIFFUSE GASTRIC AND LOBULAR BREAST CANCER SYNDROME. Identifiers: Orphanet 26106, MedGen C1708349, MONDO:0007648, OMIM 137215.

Allele frequency attached by ClinVar (database versions not stated): TOPMed below 0.00001; gnomAD exomes below 0.00001.
gnomAD v4.1: 1 of 1,614,174 alleles (0.000062%); highest among the groups gnomAD compares: African/African-American, 0.0013%; no homozygotes.

Submissions (3):

Ambry Genetics
Classification: Likely benign for Hereditary cancer-predisposing syndrome. Last evaluated: 2026-07-02. Review status: criteria provided, single submitter. Criteria: Ambry Variant Classification Scheme 2023. Collection method: clinical testing. Allele origin: germline.

Labcorp Genetics (formerly Invitae), Labcorp
Classification: Likely benign for Hereditary diffuse gastric adenocarcinoma. Last evaluated: 2025-10-30. Review status: criteria provided, single submitter. Criteria: Invitae Variant Classification Sherloc (09022015). Collection method: clinical testing. Allele origin: germline.

Myriad Genetics, Inc.
Classification: Benign for Hereditary diffuse gastric adenocarcinoma. Last evaluated: 2024-09-20. Review status: criteria provided, single submitter. Criteria: Myriad Autosomal Dominant, Autosomal Recessive and X-Linked Classification Criteria (2023). Collection method: clinical testing. Allele origin: unknown.
Comment: This variant is considered benign. This variant is a silent/synonymous amino acid change and it is not expected to impact splicing.

NM_004360.5(CDH1):c.1821A>T (p.Pro607=)

Gene: CDH1 (cadherin 1; plus strand). Cytogenetic location: 16q22.1.
Variant type: single nucleotide variant.
Coding change: c.1821A>T on transcript NM_004360.5 (MANE Select); coding-DNA position 1821, A replaced by T.
Protein change: p.Pro607=; no amino-acid change (proline 607 retained).
Molecular consequence: synonymous variant. On other transcripts: 5 prime UTR variant (1).
Genome position (GRCh38, 1-based): chr16:68,822,110, A>T. VCF-style: chr16-68822110-A-T. GRCh37 (hg19) VCF-style: chr16-68856013-A-T.
Other names: c.1638A>T, p.Pro546= (NM_001317184.2); c.273A>T, p.Pro91= (NM_001317185.2); c.-145A>T (NM_001317186.2); c.1821A>T (NM_004360.3).
Identifiers: ClinVar variation 1530309 (VCV001530309.10), dbSNP rs1961162578, ClinGen allele CA496392596.